The following is an entry in ClinVar:

ClinVar aggregate classification (germline): Likely benign. Review status: criteria provided, multiple submitters, no conflicts (2 of 4 stars). 3 submissions from 3 submitters: Likely benign (3). Last evaluated 2026-01-25.

Conditions:
Paragangliomas with sensorineural hearing loss. Identifiers: MedGen C1868633.
Pheochromocytoma. Also called: MAX-Related Hereditary Paraganglioma-Pheochromocytoma Syndrome. Identifiers: Orphanet 29072, MedGen C0031511, MONDO:0008233, OMIM 171300, HP:0002666.
Cowden syndrome 3 (CWS3). Identifiers: Orphanet 201, MedGen CN166604, MONDO:0014045.
Carney-Stratakis syndrome. Also called: PARAGANGLIOMA AND GASTROINTESTINAL STROMAL TUMOR. Identifiers: Orphanet 97286, MedGen C1847319, MONDO:0011740, OMIM 606864.
Hereditary pheochromocytoma and paraganglioma. Also called: Hereditary Paraganglioma-Pheochromocytoma Syndromes; Hereditary paragangliomas and pheochromocytomas; Hereditary pheochromocytoma-paraganglioma. Identifiers: Orphanet 29072, MedGen C4274332, MONDO:0017366.
Pheochromocytoma/paraganglioma syndrome 1. Also called: Paragangliomas 1; Glomus tumors familial 1; Paraganglioma - glomus jugulare; SDHD-Related Hereditary Paraganglioma-Pheochromocytoma Syndrome; PARAGANGLIOMAS, FAMILIAL NONCHROMAFFIN, 1; PGL 1. Identifiers: Orphanet 29072, MedGen C3494181, MONDO:0008192, OMIM 168000.

Allele frequency attached by ClinVar (database versions not stated): gnomAD exomes below 0.00001; ExAC 0.00002.
gnomAD v4.1: 6 of 1,590,850 alleles (0.00038%); highest among the groups gnomAD compares: South Asian, 0.0055%; no homozygotes.

Submissions (3):

Labcorp Genetics (formerly Invitae), Labcorp
Classification: Likely benign for Carney-Stratakis syndrome; Paragangliomas with sensorineural hearing loss; Pheochromocytoma; Cowden syndrome 3. Last evaluated: 2026-01-25. Review status: criteria provided, single submitter. Criteria: Invitae Variant Classification Sherloc (09022015). Collection method: clinical testing. Allele origin: germline.

Myriad Genetics, Inc.
Classification: Likely benign for Pheochromocytoma/paraganglioma syndrome 1. Last evaluated: 2025-03-17. Review status: criteria provided, single submitter. Criteria: Myriad Autosomal Dominant, Autosomal Recessive and X-Linked Classification Criteria (2023). Collection method: clinical testing. Allele origin: unknown.
Comment: This variant is considered likely benign. This variant is intronic and is not expected to impact mRNA splicing.

All of Us Research Program, National Institutes of Health
Classification: Likely benign for Hereditary pheochromocytoma and paraganglioma. Last evaluated: 2024-05-14. Review status: criteria provided, single submitter. Criteria: ACMG Guidelines, 2015. Collection method: clinical testing. Allele origin: germline. Inheritance: Autosomal dominant inheritance. Observed: 1 variant allele, 1 heterozygote.
Comment: This study involves interpretation of variants in research participants for the purpose of population health screening. Participant phenotype was not available at the time of variant classification. Additional details can be found in publication PMID: 35346344, PMCID: PMC8962531

NM_003002.4(SDHD):c.53-6C>T

Gene: SDHD (succinate dehydrogenase complex subunit D; plus strand). Cytogenetic location: 11q23.1.
Variant type: single nucleotide variant.
Coding change: c.53-6C>T on transcript NM_003002.4 (MANE Select); 6 bases into the intron before coding-DNA position 53, C replaced by T.
Molecular consequence: intron variant.
Genome position (GRCh38, 1-based): chr11:112,087,851, C>T. VCF-style: chr11-112087851-C-T. GRCh37 (hg19) VCF-style: chr11-111958575-C-T.
Other names: c.53-6C>T (NM_001276506.2, NM_001276503.2); c.52+892C>T (NM_001276504.2).
Identifiers: ClinVar variation 417305 (VCV000417305.14), dbSNP rs757454290, ClinGen allele CA071508.